The following is an entry in ClinVar:

NM_016033.3(RMDN1):c.504A>G (p.Ala168=)

Gene: RMDN1 (regulator of microtubule dynamics 1; minus strand). Cytogenetic location: 8q21.3.
Variant type: single nucleotide variant.
Coding change: c.504A>G on transcript NM_016033.3 (MANE Select); coding-DNA position 504, A replaced by G.
Protein change: p.Ala168=; no amino-acid change (alanine 168 retained).
Molecular consequence: synonymous variant. On other transcripts: intron variant (2).
Genome position (GRCh38, 1-based): chr8:86,484,953, T>C on the plus strand (A>G on the coding strand, the complement: RMDN1 is on the minus strand). VCF-style: chr8-86484953-T-C. GRCh37 (hg19) VCF-style: chr8-87497182-T-C.
Other names: c.372A>G, p.Ala124= (NM_001317807.2); c.495+1531A>G (NM_001286707.2, NM_001286719.2).
Identifiers: ClinVar variation 4085132 (VCV004085132.8).

ClinVar aggregate classification (germline): Likely benign (1 of 4 stars; one submission).

Submission:

CeGaT Center for Human Genetics Tuebingen
Classification: Likely benign. Last evaluated: 2025-08-01. Review status: criteria provided, single submitter. Criteria: CeGaT Center For Human Genetics Tuebingen Variant Classification Criteria Version 2. Collection method: clinical testing. Allele origin: germline. Affected: yes. Observed: 1 variant allele.
Comment: RMDN1: PM2:Supporting, BP4, BP7